The following is an entry in ClinVar:

NM_033026.6(PCLO):c.1123_1124insCTCTTGGTCCTGCTAAGCCTGCAGCTCAGC (p.Gln374_Gln375insProLeuGlyProAlaLysProAlaAlaGln)

Gene: PCLO (piccolo presynaptic cytomatrix protein; minus strand). Cytogenetic location: 7q21.11.
Variant type: Insertion.
Coding change: c.1123_1124insCTCTTGGTCCTGCTAAGCCTGCAGCTCAGC on transcript NM_033026.6 (MANE Select); coding-DNA positions 1123 to 1124, CTCTTGGTCCTGCTAAGCCTGCAGCTCAGC inserted.
Protein change: p.Gln374_Gln375insProLeuGlyProAlaLysProAlaAlaGln.
Molecular consequence: inframe insertion.
Genome position: GRCh38 VCF-style: chr7-83155517-T-TGCTGAGCTGCAGGCTTAGCAGGACCAAGAG. GRCh37 (hg19) VCF-style: chr7-82784833-T-TGCTGAGCTGCAGGCTTAGCAGGACCAAGAG.
Other names: c.1123_1124insCTCTTGGTCCTGCTAAGCCTGCAGCTCAGC, p.Gln374_Gln375insProLeuGlyProAlaLysProAlaAlaGln (NM_014510.3).
Identifiers: ClinVar variation 1517804 (VCV001517804.8), dbSNP rs2116689744, ClinGen allele CA2573142516.
Genomic context (GRCh38, chr7:83,155,517, plus strand): 5'-GGAGGCTGAGCTAAAGCCTTTGGCCCAGGCTGCTCCGATGAAGGCTTCTCTGACCCAGTC[T>TGCTGAGCTGCAGGCTTAGCAGGACCAAGAG]GCTGAGCTGGAGGCTTAGCAGGACCAAGAGGCTGAGCTGGAGGCTTTGTTGTCCCTGGTG-3'

ClinVar aggregate classification (germline): Uncertain significance (1 of 4 stars; one submission).

Submission:

Labcorp Genetics (formerly Invitae), Labcorp
Classification: Uncertain significance. Last evaluated: 2021-03-20. Review status: criteria provided, single submitter. Criteria: Invitae Variant Classification Sherloc (09022015). Collection method: clinical testing. Allele origin: germline.
Comment: This variant has not been reported in the literature in individuals with PCLO-related conditions. Experimental studies and prediction algorithms are not available or were not evaluated, and the functional significance of this variant is currently unknown. Algorithms developed to predict the effect of sequence changes on RNA splicing suggest that this variant may create or strengthen a splice site, but this prediction has not been confirmed by published transcriptional studies. In summary, the available evidence is currently insufficient to determine the role of this variant in disease. Therefore, it has been classified as a Variant of Uncertain Significance. This variant, c.1123_1124ins30, results in the insertion of 10 amino acid(s) to the PCLO protein (p.Gln374_Gln375ins10), but otherwise preserves the integrity of the reading frame. This variant is not present in population databases (ExAC no frequency).